The following is an entry in ClinVar:

ClinVar aggregate classification (germline): Likely benign. Review status: criteria provided, multiple submitters, no conflicts (2 of 4 stars). 4 submissions from 4 submitters: Likely benign (3). 1 of the submissions does not count toward it. Last evaluated 2026-01-02.

Allele frequency attached by ClinVar (database versions not stated): gnomAD exomes 0.00006 and 0.00008; ExAC 0.00007; gnomAD 0.00007; TOPMed 0.00008.
gnomAD v4.1: 101 of 1,614,004 alleles (0.0063%); highest among the groups gnomAD compares: Non-Finnish European, 0.00085%; 1 homozygote.

Submissions (4):

Labcorp Genetics (formerly Invitae), Labcorp
Classification: Likely benign. Last evaluated: 2026-01-02. Review status: criteria provided, single submitter. Criteria: Invitae Variant Classification Sherloc (09022015). Collection method: clinical testing. Allele origin: germline.

Blueprint Genetics
Classification: Likely benign. Last evaluated: 2024-10-28. Review status: criteria provided, single submitter. Criteria: ACMG Guidelines, 2015. Collection method: clinical testing. Allele origin: germline.

CeGaT Center for Human Genetics Tuebingen
Classification: Likely benign. Last evaluated: 2022-09-01. Review status: criteria provided, single submitter. Criteria: CeGaT Center For Human Genetics Tuebingen Variant Classification Criteria Version 2. Collection method: clinical testing. Allele origin: germline. Affected: yes. Observed: 1 variant allele.
Comment: ERCC5: BP4, BP7

Department of Pathology and Laboratory Medicine, Sinai Health System
Classification: Uncertain significance. Review status: no assertion criteria provided. Collection method: clinical testing. Allele origin: unknown. Affected: yes. Study: The Canadian Open Genetics Repository (COGR). Not counted in ClinVar's aggregate classification.
Comment: The ERCC5 p.Gln16Gln variant was not identified in the literature nor was it identified in ClinVar, Cosmic or LOVD 3.0. The variant was identified in dbSNP (ID: rs202038276) and in control databases in 24 of 280740 chromosomes (1 homozygous) at a frequency of 0.000085 (Genome Aggregation Database Feb 27, 2017). The variant was observed in the following populations: Ashkenazi Jewish in 23 of 10332 chromosomes (freq: 0.002226) and European (non-Finnish) in 1 of 127854 chromosomes (freq: 0.000008); it was not observed in the African, Latino, East Asian, European (Finnish), Other and South Asian populations. The p.Gln16Gln variant is not expected to have clinical significance because it does not result in a change of amino acid (synonymous change) and is not located in a known consensus splice site. However, 4 of 4 in silico or computational prediction software programs (SpliceSiteFinder, MaxEntScan, NNSPLICE, GeneSplicer) predict the loss of both a 5' and 3' splice site at the variant location, although neither of these are known splice sites. This information is not predictive enough to assume pathogenicity. In summary, based on the above information the clinical significance of this variant cannot be determined with certainty at this time. This variant is classified as a variant of uncertain significance.

NM_000123.4(ERCC5):c.48G>A (p.Gln16=)

Genes: BIVM-ERCC5 (BIVM-ERCC5 readthrough; plus strand), ERCC5 (ERCC excision repair 5, endonuclease; plus strand). Cytogenetic location: 13q33.1.
Variant type: single nucleotide variant.
Coding change: c.48G>A on transcript NM_000123.4 (MANE Select); coding-DNA position 48, G replaced by A.
Protein change: p.Gln16=; no amino-acid change (glutamine 16 retained).
Molecular consequence: synonymous variant. On other transcripts: intron variant (1).
Genome position (GRCh38, 1-based): chr13:102,846,314, G>A. VCF-style: chr13-102846314-G-A. GRCh37 (hg19) VCF-style: chr13-103498664-G-A.
Other names: c.1451-5804G>A (NM_001204425.2).
Identifiers: ClinVar variation 1048940 (VCV001048940.27), dbSNP rs202038276, ClinGen allele CA7040954.
Genomic context (GRCh38, chr13:102,846,314, plus strand): 5'-ACGCAGCCGCCTCATGGGGGTCCAGGGGCTCTGGAAGCTGCTGGAGTGCTCCGGGCGGCA[G>A]GTCAGCCCCGAAGCGCTGGAAGGGAAGATCCTGGCTGTTGGTATCCTTAACGCCGCGTTG-3'
Protein context (NP_000114.3, residues 6-26): LWKLLECSGR[Gln16=]VSPEALEGKI